The following is an entry in ClinVar:

NM_001040142.2(SCN2A):c.605+3A>G

Gene: SCN2A (sodium voltage-gated channel alpha subunit 2; plus strand). Cytogenetic location: 2q24.3.
Variant type: single nucleotide variant.
Coding change: c.605+3A>G on transcript NM_001040142.2 (MANE Select); 3 bases into the intron after coding-DNA position 605, A replaced by G.
Molecular consequence: intron variant.
Genome position (GRCh38, 1-based): chr2:165,308,797, A>G. VCF-style: chr2-165308797-A-G. GRCh37 (hg19) VCF-style: chr2-166165307-A-G.
Other names: c.605+3A>G (NM_001040143.2, NM_001371246.1, NM_001371247.1 and 1 more transcripts).
Identifiers: ClinVar variation 2936755 (VCV002936755.3), dbSNP rs778554811, ClinGen allele CA1939636.

ClinVar aggregate classification (germline): Uncertain significance (1 of 4 stars; one submission).

Conditions:
Seizures, benign familial infantile, 3 (BFIS3). Also called: CONVULSIONS, BENIGN FAMILIAL INFANTILE, 3; Familial neonatal seizures. Identifiers: Orphanet 140927, Orphanet 306, MedGen C1843140, MONDO:0011904, OMIM 607745.
Developmental and epileptic encephalopathy, 11 (DEE11). Also called: Early infantile epileptic encephalopathy 11. Identifiers: Orphanet 1934, MedGen C3150987, MONDO:0013388, OMIM 613721.

Allele frequency attached by ClinVar (database versions not stated): gnomAD exomes below 0.00001; TOPMed below 0.00001; ExAC 0.00002.
gnomAD v4.1: 6 of 1,612,600 alleles (0.00037%); highest among the groups gnomAD compares: Non-Finnish European, 0.00051%; no homozygotes.

Submission:

Labcorp Genetics (formerly Invitae), Labcorp
Classification: Uncertain significance for Seizures, benign familial infantile, 3; Developmental and epileptic encephalopathy, 11. Last evaluated: 2024-01-17. Review status: criteria provided, single submitter. Criteria: Invitae Variant Classification Sherloc (09022015). Collection method: clinical testing. Allele origin: germline.
Comment: This sequence change falls in intron 5 of the SCN2A gene. It does not directly change the encoded amino acid sequence of the SCN2A protein. It affects a nucleotide within the consensus splice site. This variant is present in population databases (rs778554811, gnomAD 0.003%). This variant has not been reported in the literature in individuals affected with SCN2A-related conditions. Variants that disrupt the consensus splice site are a relatively common cause of aberrant splicing (PMID: 17576681, 9536098). Algorithms developed to predict the effect of sequence changes on RNA splicing suggest that this variant is not likely to affect RNA splicing. In summary, the available evidence is currently insufficient to determine the role of this variant in disease. Therefore, it has been classified as a Variant of Uncertain Significance.

Literature cited by the submitters: PubMed 17576681; PubMed 9536098.